The following is an entry in ClinVar:

ClinVar aggregate classification (germline): Benign/Likely benign. Review status: criteria provided, multiple submitters, no conflicts (2 of 4 stars). 10 submissions from 10 submitters: Benign (5); Likely benign (2). 3 of the submissions do not count toward it. Last evaluated 2025-07-07.

Conditions:
GLMN-related disorder. Also called: GLMN-related condition.
Glomuvenous malformation. Also called: VENOUS MALFORMATIONS WITH GLOMUS CELLS; Familial glomangioma; GLOMANGIOMAS, MULTIPLE; GLOMUS TUMORS, MULTIPLE. Identifiers: Orphanet 83454, MedGen C1841984, MONDO:0007672, OMIM 138000.

Allele frequency attached by ClinVar (database versions not stated): 1000 Genomes Project 0.00200; 1000 Genomes Project 30x 0.00234; gnomAD exomes 0.00361 and 0.00565; ExAC 0.00385; gnomAD 0.00429 and 0.00445; TOPMed 0.00475; ESP Exome Variant Server 0.00546.
gnomAD v4.1: 8,831 of 1,609,794 alleles (0.55%); highest among the groups gnomAD compares: Non-Finnish European, 0.68%; 35 homozygotes.

Submissions (10):

ARUP Laboratories, Molecular Genetics and Genomics, ARUP Laboratories
Classification: Benign for Glomuvenous malformation. Last evaluated: 2025-07-07. Review status: criteria provided, single submitter. Criteria: ARUP Molecular Germline Variant Investigation Process 2024. Collection method: clinical testing. Allele origin: germline.

Blueprint Genetics
Classification: Likely benign. Last evaluated: 2024-11-25. Review status: criteria provided, single submitter. Criteria: ACMG Guidelines, 2015. Collection method: clinical testing. Allele origin: germline.

CeGaT Center for Human Genetics Tuebingen
Classification: Likely benign. Last evaluated: 2024-09-01. Review status: criteria provided, single submitter. Criteria: CeGaT Center For Human Genetics Tuebingen Variant Classification Criteria Version 2. Collection method: clinical testing. Allele origin: germline. Affected: yes. Observed: 2 variant alleles.
Comment: GLMN: BP4, BS2

Mayo Clinic Laboratories, Mayo Clinic
Classification: Benign. Last evaluated: 2023-05-23. Review status: criteria provided, single submitter. Criteria: ACMG Guidelines, 2015. Collection method: clinical testing. Allele origin: germline. Observed: 7 variant alleles.
Comment: BS1, BP4_strong

Illumina Laboratory Services, Illumina
Classification: Benign for Glomuvenous malformation. Last evaluated: 2018-01-13. Review status: criteria provided, single submitter. Criteria: ICSL Variant Classification Criteria 13 December 2019. Collection method: clinical testing. Allele origin: germline.
Comment: This variant was observed in the ICSL laboratory as part of a predisposition screen in an ostensibly healthy population. It had not been previously curated by ICSL or reported in the Human Gene Mutation Database (HGMD: prior to June 1st, 2018), and was therefore a candidate for classification through an automated scoring system. Utilizing variant allele frequency, disease prevalence and penetrance estimates, and inheritance mode, an automated score was calculated to assess if this variant is too frequent to cause the disease. Based on the score and internal cut-off values, a variant classified as benign is not then subjected to further curation. The score for this variant resulted in a classification of benign for this disease.

Labcorp Genetics (formerly Invitae), Labcorp
Classification: Benign. Last evaluated: 2017-12-07. Review status: criteria provided, single submitter. Criteria: Invitae Variant Classification Sherloc (09022015). Collection method: clinical testing. Allele origin: germline.

Breakthrough Genomics
Classification: Benign. Review status: criteria provided, single submitter. Criteria: ACMG Guidelines, 2015. Collection method: not provided. Allele origin: germline. Inheritance: Autosomal dominant inheritance. Affected: yes.

PreventionGenetics, part of Exact Sciences
Classification: Benign for GLMN-related condition. Last evaluated: 2019-04-30. Review status: no assertion criteria provided. Collection method: clinical testing. Allele origin: germline. Not counted in ClinVar's aggregate classification.
Comment: This variant is classified as benign based on ACMG/AMP sequence variant interpretation guidelines (Richards et al. 2015 PMID: 25741868, with internal and published modifications).

Clinical Genetics, Academic Medical Center
Classification: Likely benign. Review status: no assertion criteria provided. Collection method: clinical testing. Allele origin: germline. Affected: yes. Study: VKGL Data-share Consensus. Not counted in ClinVar's aggregate classification.

Laboratory of Diagnostic Genome Analysis, Leiden University Medical Center (LUMC)
Classification: Likely benign. Review status: no assertion criteria provided. Collection method: clinical testing. Allele origin: germline. Affected: yes. Study: VKGL Data-share Consensus. Not counted in ClinVar's aggregate classification.

NM_053274.3(GLMN):c.436G>A (p.Ala146Thr)

Gene: GLMN (glomulin; minus strand). Cytogenetic location: 1p22.1.
Variant type: single nucleotide variant.
Coding change: c.436G>A on transcript NM_053274.3 (MANE Select); coding-DNA position 436, G replaced by A.
Protein change: p.Ala146Thr; replaces alanine 146 with threonine.
Molecular consequence: missense variant. On other transcripts: non-coding transcript variant (1).
Genome position (GRCh38, 1-based): chr1:92,289,110, C>T on the plus strand (G>A on the coding strand, the complement: GLMN is on the minus strand). VCF-style: chr1-92289110-C-T. GRCh37 (hg19) VCF-style: chr1-92754667-C-T.
Other names: c.436G>A, p.Ala146Thr (NM_001319683.2); short protein forms A146T.
Identifiers: ClinVar variation 298146 (VCV000298146.47), dbSNP rs61754623, ClinGen allele CA950589.